The following is an entry in ClinVar:

NM_002454.3(MTRR):c.1769+14C>T

Gene: MTRR (5-methyltetrahydrofolate-homocysteine methyltransferase reductase; plus strand). Cytogenetic location: 5p15.31.
Variant type: single nucleotide variant.
Coding change: c.1769+14C>T on transcript NM_002454.3 (MANE Select); 14 bases into the intron after coding-DNA position 1769, C replaced by T.
Molecular consequence: intron variant.
Genome position (GRCh38, 1-based): chr5:7,896,970, C>T. VCF-style: chr5-7896970-C-T. GRCh37 (hg19) VCF-style: chr5-7897083-C-T.
Other names: c.1769+14C>T (NM_001364440.2, NM_001364441.2, NM_001364442.2 and 1 more transcripts).
Identifiers: ClinVar variation 668482 (VCV000668482.4), dbSNP rs760216011, ClinGen allele CA3196053.

ClinVar aggregate classification (germline): Likely benign. Review status: criteria provided, multiple submitters, no conflicts (2 of 4 stars). 2 submissions from 2 submitters: Likely benign (2). Last evaluated 2024-03-16.

Conditions:
Methylcobalamin deficiency type cblE (HMAE). Also called: HOMOCYSTINURIA-MEGALOBLASTIC ANEMIA, cblE COMPLEMENTATION TYPE; VITAMIN B12-RESPONSIVE HOMOCYSTINURIA, cblE TYPE; HOMOCYSTINURIA-MEGALOBLASTIC ANEMIA, cblE TYPE. Identifiers: Orphanet 2169, Orphanet 622, MedGen C1856057, MONDO:0009354, OMIM 236270.

Allele frequency attached by ClinVar (database versions not stated): ExAC 0.00002; gnomAD 0.00002 and 0.00003; gnomAD exomes 0.00002 and 0.00003; TOPMed 0.00003.
gnomAD v4.1: 29 of 1,612,770 alleles (0.0018%); highest among the groups gnomAD compares: Non-Finnish European, 0.0023%; no homozygotes.

Submissions (2):

Labcorp Genetics (formerly Invitae), Labcorp
Classification: Likely benign for Methylcobalamin deficiency type cblE. Last evaluated: 2024-03-16. Review status: criteria provided, single submitter. Criteria: Invitae Variant Classification Sherloc (09022015). Collection method: clinical testing. Allele origin: germline.

GeneDx
Classification: Likely benign. Last evaluated: 2018-05-31. Review status: criteria provided, single submitter. Criteria: GeneDx Variant Classification (06012015). Collection method: clinical testing. Allele origin: germline. Affected: yes.
Comment: This variant is considered likely benign or benign based on one or more of the following criteria: it is a conservative change, it occurs at a poorly conserved position in the protein, it is predicted to be benign by multiple in silico algorithms, and/or has population frequency not consistent with disease.